The following is an entry in ClinVar:

ClinVar aggregate classification (germline): Pathogenic. Review status: criteria provided, multiple submitters, no conflicts (2 of 4 stars). 3 submissions from 3 submitters: Pathogenic (3). Last evaluated 2024-04-02.

Conditions:
Early-infantile DEE. Also called: Early infantile epileptic encephalopathy; Ohtahara syndrome; Early infantile epileptic encephalopathy with suppression bursts. Identifiers: Orphanet 1934, MedGen C0393706, MONDO:0800491.
Severe myoclonic epilepsy in infancy (DRVT). Also called: Epileptic encephalopathy, early infantile, 6 (Dravet syndrome); SEVERE MYOCLONIC EPILEPSY OF INFANCY; DEVELOPMENTAL AND EPILEPTIC ENCEPHALOPATHY 6A; Severe Myoclonic Epilepsy in Infancy (SMEI); Dravet syndrome. Identifiers: Orphanet 33069, MedGen C0751122, MONDO:0100135, OMIM 607208.

Submissions (3):

Labcorp Genetics (formerly Invitae), Labcorp
Classification: Pathogenic for Early-infantile DEE. Last evaluated: 2024-04-02. Review status: criteria provided, single submitter. Criteria: Invitae Variant Classification Sherloc (09022015). Collection method: clinical testing. Allele origin: germline.
Comment: This sequence change replaces cysteine, which is neutral and slightly polar, with tyrosine, which is neutral and polar, at codon 336 of the SCN1A protein (p.Cys336Tyr). This variant is not present in population databases (gnomAD no frequency). This missense change has been observed in individual(s) with clinical features of SCN1A-related conditions (PMID: 28079314). In at least one individual the variant was observed to be de novo. ClinVar contains an entry for this variant (Variation ID: 189962). Advanced modeling of protein sequence and biophysical properties (such as structural, functional, and spatial information, amino acid conservation, physicochemical variation, residue mobility, and thermodynamic stability) performed at Invitae indicates that this missense variant is expected to disrupt SCN1A protein function with a positive predictive value of 95%. This variant disrupts the p.Cys336 amino acid residue in SCN1A. Other variant(s) that disrupt this residue have been determined to be pathogenic (Invitae). This suggests that this residue is clinically significant, and that variants that disrupt this residue are likely to be disease-causing. For these reasons, this variant has been classified as Pathogenic.

Mendelics
Classification: Pathogenic for Severe myoclonic epilepsy in infancy. Last evaluated: 2019-05-28. Review status: criteria provided, single submitter. Criteria: Mendelics Assertion Criteria 2017. Collection method: clinical testing. Allele origin: unknown.

Center for Bioinformatics, Peking University
Classification: Pathogenic for Dravet syndrome. Last evaluated: 2014-12-20. Review status: criteria provided, single submitter. Criteria: Xu et al. (Hum Mutat. 2015). Collection method: research. Allele origin: de novo. Affected: yes. Observed: 1 variant allele. Study: University Clinical Cooperation “985 Project” PKU-2014-1-1.
Comment: Dravet syndrome (DS) probands were recruited from the outpatient and inpatient child neurology units of Peking University First Hospital from 2005 till present. The study was approved by the Ethics Committee of Peking University First Hospital and the Institutional Review Board at Peking University. Participants or their parents provided written informed consent before enrollment. We collected a total of 267 mutations from 255 families with probands diagnosed with DS in China. All probands fulfilled the clinical diagnostic criteria.

Literature cited by the submitters: PubMed 28079314 (cited by Labcorp Genetics (formerly Invitae), Labcorp).

NM_001165963.4(SCN1A):c.1007G>A (p.Cys336Tyr)

Gene: SCN1A (sodium voltage-gated channel alpha subunit 1; minus strand). Cytogenetic location: 2q24.3.
Variant type: single nucleotide variant.
Coding change: c.1007G>A on transcript NM_001165963.4 (MANE Select); coding-DNA position 1007, G replaced by A.
Protein change: p.Cys336Tyr; replaces cysteine 336 with tyrosine.
Molecular consequence: missense variant. On other transcripts: 5 prime UTR variant (1), non-coding transcript variant (1).
Genome position (GRCh38, 1-based): chr2:166,048,907, C>T on the plus strand (G>A on the coding strand, the complement: SCN1A is on the minus strand). VCF-style: chr2-166048907-C-T. GRCh37 (hg19) VCF-style: chr2-166905417-C-T.
Other names: c.1007G>A, p.Cys336Tyr (NM_001165964.3, NM_001202435.3, NM_001353948.2 and 10 more transcripts); c.-1419G>A (NM_001353961.2); short protein forms C336Y.
Identifiers: ClinVar variation 189962 (VCV000189962.5), dbSNP rs794726798, ClinGen allele CA303417.